The following is an entry in ClinVar:

NM_012434.5(SLC17A5):c.262G>C (p.Ala88Pro)

Gene: SLC17A5 (solute carrier family 17 member 5; minus strand). Cytogenetic location: 6q13.
Variant type: single nucleotide variant.
Coding change: c.262G>C on transcript NM_012434.5 (MANE Select); coding-DNA position 262, G replaced by C.
Protein change: p.Ala88Pro; replaces alanine 88 with proline.
Molecular consequence: missense variant. On other transcripts: intron variant (2).
Genome position (GRCh38, 1-based): chr6:73,644,436, C>G on the plus strand (G>C on the coding strand, the complement: SLC17A5 is on the minus strand). VCF-style: chr6-73644436-C-G. GRCh37 (hg19) VCF-style: chr6-74354159-C-G.
Other names: c.262G>C, p.Ala88Pro (NM_001382630.1, NM_001382632.1, NM_001382633.1 and 2 more transcripts); c.283G>C, p.Ala95Pro (NM_001382631.1); c.61-2512G>C (NM_001382636.1, NM_001382629.1); short protein forms A88P, A95P.
Identifiers: ClinVar variation 2961060 (VCV002961060.3), dbSNP rs960365160, ClinGen allele CA364718678.

ClinVar aggregate classification (germline): Uncertain significance (1 of 4 stars; one submission).

Conditions:
Salla disease (SD). Also called: Less Severe FSASD (Salla Disease); Sialuria, Finnish type; N-acetylneuraminic acid (NANA) storage disease (NSD); Infantile sialic acid storage disorder (ISSD). Identifiers: Orphanet 309334, Orphanet 834, MedGen C1096903, MONDO:0011449, OMIM 604369.

Submission:

Labcorp Genetics (formerly Invitae), Labcorp
Classification: Uncertain significance for Salla disease. Last evaluated: 2025-08-21. Review status: criteria provided, single submitter. Criteria: Invitae Variant Classification Sherloc (09022015). Collection method: clinical testing. Allele origin: germline.
Comment: This sequence change replaces alanine, which is neutral and non-polar, with proline, which is neutral and non-polar, at codon 88 of the SLC17A5 protein (p.Ala88Pro). This variant is not present in population databases (gnomAD no frequency). This variant has not been reported in the literature in individuals affected with SLC17A5-related conditions. ClinVar contains an entry for this variant (Variation ID: 2961060). Invitae Evidence Modeling of protein sequence and biophysical properties (such as structural, functional, and spatial information, amino acid conservation, physicochemical variation, residue mobility, and thermodynamic stability) has been performed for this missense variant. However, the output from this modeling did not meet the statistical confidence thresholds required to predict the impact of this variant on SLC17A5 protein function. In summary, the available evidence is currently insufficient to determine the role of this variant in disease. Therefore, it has been classified as a Variant of Uncertain Significance.